The following is an entry in ClinVar:

NM_000440.3(PDE6A):c.1268del (p.Ser422_Leu423insTer)

Gene: PDE6A (phosphodiesterase 6A; minus strand). Cytogenetic location: 5q32.
Variant type: Deletion.
Coding change: c.1268del on transcript NM_000440.3 (MANE Select); coding-DNA position 1268, one base deleted (T; older notation c.1268delT).
Protein change: p.Ser422_Leu423insTer.
Molecular consequence: nonsense.
Genome position (GRCh38, 1-based): chr5:149,898,502, A deleted on the plus strand (T on the coding strand, the reverse complement: PDE6A is on the minus strand); the first of 3 consecutive A bases (chr5:149,898,502-149,898,504); deleting any one gives the same sequence. VCF-style (leftmost placement, unchanged base first): chr5-149898501-CA-C. GRCh37 (hg19) VCF-style: chr5-149278064-CA-C.
Identifiers: ClinVar variation 521415 (VCV000521415.11), dbSNP rs1456336365, ClinGen allele CA658796658.

ClinVar aggregate classification (germline): Pathogenic. Review status: criteria provided, multiple submitters, no conflicts (2 of 4 stars). 2 submissions from 2 submitters: Pathogenic (2). Last evaluated 2024-07-16.

Conditions:
Inborn genetic diseases. Identifiers: MedGen C0950123, MeSH D030342.

Submissions (2):

Labcorp Genetics (formerly Invitae), Labcorp
Classification: Pathogenic. Last evaluated: 2024-07-16. Review status: criteria provided, single submitter. Criteria: Invitae Variant Classification Sherloc (09022015). Collection method: clinical testing. Allele origin: germline.
Comment: This sequence change creates a premature translational stop signal (p.Leu423*) in the PDE6A gene. It is expected to result in an absent or disrupted protein product. Loss-of-function variants in PDE6A are known to be pathogenic (PMID: 7493036, 22128245, 23847139). This variant is not present in population databases (gnomAD no frequency). This premature translational stop signal has been observed in individual(s) with retinitis pigmentosa (PMID: 26496393). It has also been observed to segregate with disease in related individuals. ClinVar contains an entry for this variant (Variation ID: 521415). For these reasons, this variant has been classified as Pathogenic.

Ambry Genetics
Classification: Pathogenic for Inborn genetic diseases. Last evaluated: 2017-01-04. Review status: criteria provided, single submitter. Criteria: Ambry exome assertion method (8-5-2015). Collection method: clinical testing. Allele origin: germline. Affected: yes. Observed: 1 variant allele.

Literature cited by the submitters: PubMed 7493036 (cited by Labcorp Genetics (formerly Invitae), Labcorp); PubMed 22128245 (cited by Labcorp Genetics (formerly Invitae), Labcorp); PubMed 23847139 (cited by Labcorp Genetics (formerly Invitae), Labcorp); PubMed 26496393 (cited by Labcorp Genetics (formerly Invitae), Labcorp and Ambry Genetics); PubMed 26321862 (cited by Ambry Genetics).